The following is an entry in ClinVar:

NM_002949.4(MRPL12):c.185C>G (p.Pro62Arg)

Gene: MRPL12 (mitochondrial ribosomal protein L12; plus strand). Cytogenetic location: 17q25.3.
Variant type: single nucleotide variant.
Coding change: c.185C>G on transcript NM_002949.4 (MANE Select); coding-DNA position 185, C replaced by G.
Protein change: p.Pro62Arg; replaces proline 62 with arginine.
Molecular consequence: missense variant.
Genome position (GRCh38, 1-based): chr17:81,704,354, C>G. VCF-style: chr17-81704354-C-G. GRCh37 (hg19) VCF-style: chr17-79671384-C-G.
Other names: short protein forms P62R.
Identifiers: ClinVar variation 2375528 (VCV002375528.5), dbSNP rs202006132, ClinGen allele CA8841278.

ClinVar aggregate classification (germline): Uncertain significance. Review status: criteria provided, multiple submitters, no conflicts (2 of 4 stars). 2 submissions from 2 submitters: Uncertain significance (2). Last evaluated 2025-01-27.

Allele frequency attached by ClinVar (database versions not stated): 1000 Genomes Project 30x 0.00016; 1000 Genomes Project 0.00020.
gnomAD v4.1: 229 of 1,613,702 alleles (0.014%); highest among the groups gnomAD compares: Non-Finnish European, 0.018%; no homozygotes.

Submissions (2):

Labcorp Genetics (formerly Invitae), Labcorp
Classification: Uncertain significance. Last evaluated: 2025-01-27. Review status: criteria provided, single submitter. Criteria: Invitae Variant Classification Sherloc (09022015). Collection method: clinical testing. Allele origin: germline.
Comment: This sequence change replaces proline, which is neutral and non-polar, with arginine, which is basic and polar, at codon 62 of the MRPL12 protein (p.Pro62Arg). This variant is present in population databases (rs202006132, gnomAD 0.02%). This variant has not been reported in the literature in individuals affected with MRPL12-related conditions. ClinVar contains an entry for this variant (Variation ID: 2375528). An algorithm developed to predict the effect of missense changes on protein structure and function (PolyPhen-2) suggests that this variant is likely to be disruptive. In summary, the available evidence is currently insufficient to determine the role of this variant in disease. Therefore, it has been classified as a Variant of Uncertain Significance.

Ambry Genetics
Classification: Uncertain significance. Last evaluated: 2021-06-21. Review status: criteria provided, single submitter. Criteria: Ambry Variant Classification Scheme 2023. Collection method: clinical testing. Allele origin: germline.